The following is an entry in ClinVar:

ClinVar aggregate classification (germline): Pathogenic (1 of 4 stars; one submission).

Conditions:
Facioscapulohumeral muscular dystrophy 2 (FSHD2). Also called: MUSCULAR DYSTROPHY, FACIOSCAPULOHUMERAL, TYPE 1B; FACIOSCAPULOHUMERAL MUSCULAR DYSTROPHY 2, DIGENIC; FSHD2, DIGENIC. Identifiers: Orphanet 269, MedGen C1834671, MONDO:0008031, OMIM 158901.

Submission:

Labcorp Genetics (formerly Invitae), Labcorp
Classification: Pathogenic for Facioscapulohumeral muscular dystrophy 2. Last evaluated: 2024-02-02. Review status: criteria provided, single submitter. Criteria: Invitae Variant Classification Sherloc (09022015). Collection method: clinical testing. Allele origin: germline.
Comment: This sequence change creates a premature translational stop signal (p.Ser1411Phefs*22) in the SMCHD1 gene. It is expected to result in an absent or disrupted protein product. Loss-of-function variants in SMCHD1 are known to be pathogenic (PMID: 23143600). This variant is not present in population databases (gnomAD no frequency). This premature translational stop signal has been observed in individual(s) with SMCHD1-related conditions (PMID: 32721234). ClinVar contains an entry for this variant (Variation ID: 863299). For these reasons, this variant has been classified as Pathogenic.

Literature cited by the submitters: PubMed 23143600; PubMed 32721234.

NM_015295.3(SMCHD1):c.4231dup (p.Ser1411fs)

Gene: SMCHD1 (structural maintenance of chromosomes flexible hinge domain containing 1; plus strand). Cytogenetic location: 18p11.32.
Variant type: Duplication.
Coding change: c.4231dup on transcript NM_015295.3 (MANE Select); coding-DNA position 4231, one base duplicated (T; older notation c.4231dupT).
Protein change: p.Ser1411fs; shifts the reading frame from serine 1411.
Molecular consequence: frameshift variant.
Genome position (GRCh38, 1-based): chr18:2,751,343, T duplicated; the last of 3 consecutive T bases (chr18:2,751,341-2,751,343); duplicating any one gives the same sequence. VCF-style (leftmost placement, unchanged base first): chr18-2751340-A-AT. GRCh37 (hg19) VCF-style: chr18-2751338-A-AT.
Other names: short protein forms S1411fs.
Identifiers: ClinVar variation 863299 (VCV000863299.7), dbSNP rs2075566961, ClinGen allele CA916083631.